The following is an entry in ClinVar:

ClinVar aggregate classification (germline): Uncertain significance (1 of 4 stars; one submission).

Conditions:
Autosomal recessive limb-girdle muscular dystrophy type 2F (LGMDR6). Also called: MUSCULAR DYSTROPHY, LIMB-GIRDLE, AUTOSOMAL RECESSIVE 6; Muscular dystrophy limb-girdle with delta-sarcoglyan deficiency. Identifiers: Orphanet 219, MedGen C1832525, MONDO:0011028, OMIM 601287. Disease mechanism: Affects gamma-sarcoglycan and also disrupts the integrity of the entire sarcoglycan complex..

Allele frequency attached by ClinVar (database versions not stated): gnomAD exomes below 0.00001 and 0.00001; ExAC 0.00001.
gnomAD v4.1: 7 of 1,612,374 alleles (0.00043%); highest among the groups gnomAD compares: South Asian, 0.0033%; no homozygotes.

Submission:

Labcorp Genetics (formerly Invitae), Labcorp
Classification: Uncertain significance for Autosomal recessive limb-girdle muscular dystrophy type 2F. Last evaluated: 2022-06-13. Review status: criteria provided, single submitter. Criteria: Invitae Variant Classification Sherloc (09022015). Collection method: clinical testing. Allele origin: germline.
Comment: This sequence change replaces asparagine, which is neutral and polar, with serine, which is neutral and polar, at codon 154 of the SGCD protein (p.Asn154Ser). This variant is present in population databases (rs759767804, gnomAD 0.003%). This variant has not been reported in the literature in individuals affected with SGCD-related conditions. ClinVar contains an entry for this variant (Variation ID: 532693). Algorithms developed to predict the effect of missense changes on protein structure and function output the following: SIFT: "Tolerated"; PolyPhen-2: "Benign"; Align-GVGD: "Class C0". The serine amino acid residue is found in multiple mammalian species, which suggests that this missense change does not adversely affect protein function. Algorithms developed to predict the effect of sequence changes on RNA splicing suggest that this variant may create or strengthen a splice site. In summary, the available evidence is currently insufficient to determine the role of this variant in disease. Therefore, it has been classified as a Variant of Uncertain Significance.

NM_000337.6(SGCD):c.461A>G (p.Asn154Ser)

Gene: SGCD (sarcoglycan delta; plus strand). Cytogenetic location: 5q33.3.
Variant type: single nucleotide variant.
Coding change: c.461A>G on transcript NM_000337.6 (MANE Select); coding-DNA position 461, A replaced by G.
Protein change: p.Asn154Ser; replaces asparagine 154 with serine.
Molecular consequence: missense variant.
Genome position (GRCh38, 1-based): chr5:156,595,010, A>G. VCF-style: chr5-156595010-A-G. GRCh37 (hg19) VCF-style: chr5-156022020-A-G.
Other names: c.458A>G, p.Asn153Ser (NM_001128209.2); c.461A>G, p.Asn154Ser (NM_172244.3); short protein forms N154S, N153S.
Identifiers: ClinVar variation 532693 (VCV000532693.6), dbSNP rs759767804, ClinGen allele CA3530602.